The following is an entry in ClinVar:

ClinVar aggregate classification (germline): Uncertain significance (1 of 4 stars; one submission).

Conditions:
Autosomal recessive limb-girdle muscular dystrophy type 2A (LGMDR1). Also called: Limb-girdle muscular dystrophy, type 2A; Calpainopathy; LEYDEN-MOEBIUS MUSCULAR DYSTROPHY; Muscular dystrophy, limb-girdle, type 2A, Amish; MUSCULAR DYSTROPHY, PELVOFEMORAL. Identifiers: Orphanet 267, MedGen C1869123, MONDO:0009675, OMIM 253600. Disease mechanism: loss of function.

Allele frequency attached by ClinVar (database versions not stated): gnomAD exomes below 0.00001; ExAC 0.00001; gnomAD 0.00001; TOPMed 0.00001; 1000 Genomes Project 0.00020; 1000 Genomes Project 30x 0.00031.
gnomAD v4.1: 4 of 1,611,124 alleles (0.00025%); highest among the groups gnomAD compares: African/African-American, 0.0013%; no homozygotes.

Submission:

Labcorp Genetics (formerly Invitae), Labcorp
Classification: Uncertain significance for Autosomal recessive limb-girdle muscular dystrophy type 2A. Last evaluated: 2022-10-21. Review status: criteria provided, single submitter. Criteria: Invitae Variant Classification Sherloc (09022015). Collection method: clinical testing. Allele origin: germline.
Comment: In summary, the available evidence is currently insufficient to determine the role of this variant in disease. Therefore, it has been classified as a Variant of Uncertain Significance. Variants that disrupt the consensus splice site are a relatively common cause of aberrant splicing (PMID: 17576681, 9536098). Algorithms developed to predict the effect of sequence changes on RNA splicing suggest that this variant may create or strengthen a splice site. This variant has not been reported in the literature in individuals affected with CAPN3-related conditions. The frequency data for this variant in the population databases is considered unreliable, as metrics indicate poor data quality at this position in the gnomAD database. This sequence change falls in intron 21 of the CAPN3 gene. It does not directly change the encoded amino acid sequence of the CAPN3 protein. It affects a nucleotide within the consensus splice site.

Literature cited by the submitters: PubMed 17576681; PubMed 9536098.

NM_000070.3(CAPN3):c.2263+5T>C

Gene: CAPN3 (calpain 3; plus strand). Cytogenetic location: 15q15.1.
Variant type: single nucleotide variant.
Coding change: c.2263+5T>C on transcript NM_000070.3 (MANE Select); 5 bases into the intron after coding-DNA position 2263, T replaced by C.
Molecular consequence: intron variant.
Genome position (GRCh38, 1-based): chr15:42,410,671, T>C. VCF-style: chr15-42410671-T-C. GRCh37 (hg19) VCF-style: chr15-42702869-T-C.
Other names: c.2245+5T>C (NM_024344.2); c.1987+5T>C (NM_173087.2); c.727+5T>C (NM_173088.2); c.268+5T>C (NM_173090.2, NM_173089.2).
Identifiers: ClinVar variation 2191731 (VCV002191731.4), dbSNP rs531880086, ClinGen allele CA7511787.